The following is an entry in ClinVar:

NM_015072.5(TTLL5):c.3367G>C (p.Glu1123Gln)

Gene: TTLL5 (tubulin tyrosine ligase like 5; plus strand). Cytogenetic location: 14q24.3.
Variant type: single nucleotide variant.
Coding change: c.3367G>C on transcript NM_015072.5 (MANE Select); coding-DNA position 3367, G replaced by C.
Protein change: p.Glu1123Gln; replaces glutamic acid 1123 with glutamine.
Molecular consequence: missense variant.
Genome position (GRCh38, 1-based): chr14:75,863,707, G>C. VCF-style: chr14-75863707-G-C. GRCh37 (hg19) VCF-style: chr14-76330050-G-C.
Other names: short protein forms E1123Q.
Identifiers: ClinVar variation 1051525 (VCV001051525.11), dbSNP rs779740755, ClinGen allele CA7279995.

ClinVar aggregate classification (germline): Uncertain significance. Review status: criteria provided, multiple submitters, no conflicts (2 of 4 stars). 2 submissions from 2 submitters: Uncertain significance (2). Last evaluated 2023-08-04.

Allele frequency attached by ClinVar (database versions not stated): gnomAD exomes below 0.00001; ExAC 0.00001; TOPMed 0.00001; gnomAD 0.00002.
gnomAD v4.1: 8 of 1,612,776 alleles (0.0005%); highest among the groups gnomAD compares: Non-Finnish European, 0.00068%; no homozygotes.

Submissions (2):

Labcorp Genetics (formerly Invitae), Labcorp
Classification: Uncertain significance. Last evaluated: 2023-08-04. Review status: criteria provided, single submitter. Criteria: Invitae Variant Classification Sherloc (09022015). Collection method: clinical testing. Allele origin: germline.
Comment: Advanced modeling of protein sequence and biophysical properties (such as structural, functional, and spatial information, amino acid conservation, physicochemical variation, residue mobility, and thermodynamic stability) performed at Invitae indicates that this missense variant is not expected to disrupt TTLL5 protein function. In summary, the available evidence is currently insufficient to determine the role of this variant in disease. Therefore, it has been classified as a Variant of Uncertain Significance. ClinVar contains an entry for this variant (Variation ID: 1051525). This variant has not been reported in the literature in individuals affected with TTLL5-related conditions. This variant is present in population databases (rs779740755, gnomAD 0.002%). This sequence change replaces glutamic acid, which is acidic and polar, with glutamine, which is neutral and polar, at codon 1123 of the TTLL5 protein (p.Glu1123Gln).

Blueprint Genetics
Classification: Uncertain significance. Last evaluated: 2019-12-16. Review status: criteria provided, single submitter. Criteria: ACMG Guidelines, 2015. Collection method: clinical testing. Allele origin: germline.